The following is an entry in ClinVar:

NM_002528.7(NTHL1):c.686-2A>G

Gene: NTHL1 (nth like DNA glycosylase 1; minus strand). Cytogenetic location: 16p13.3.
Variant type: single nucleotide variant.
Coding change: c.686-2A>G on transcript NM_002528.7 (MANE Select); the canonical splice acceptor site of the intron before coding-DNA position 686, A replaced by G.
Molecular consequence: splice acceptor variant.
Genome position (GRCh38, 1-based): chr16:2,040,240, T>C on the plus strand (A>G on the coding strand, the complement: NTHL1 is on the minus strand). VCF-style: chr16-2040240-T-C. GRCh37 (hg19) VCF-style: chr16-2090241-T-C.
Other names: c.356-2A>G (NM_001318194.2); c.515-2A>G (NM_001318193.2).
Identifiers: ClinVar variation 1068139 (VCV001068139.9), dbSNP rs2150938461, ClinGen allele CA394289420.
Genomic context (GRCh38, chr16:2,040,240, plus strand): 5'-GGTTGCCTTCTTGGTCCACCTCAGCCTGTTGGCGATTCTGTGCACATGCGTGTCCACTGC[T>C]GCTGGGAGGCCAAGCGGGGTGAACAGGGGCACACTCCACCAGCCTAGCCCGTGCCCCTCC-3'

ClinVar aggregate classification (germline): Conflicting classifications of pathogenicity. Review status: criteria provided, conflicting classifications (1 of 4 stars). 2 submissions from 2 submitters: Likely pathogenic (1); Uncertain significance (1). Last evaluated 2021-03-02.

Conditions:
Hereditary cancer-predisposing syndrome. Also called: Hereditary neoplastic syndrome; Tumor predisposition; Hereditary Cancer Syndrome; Neoplastic Syndromes, Hereditary. Identifiers: Orphanet 140162, MedGen C0027672, MeSH D009386, MONDO:0015356.

Submissions (2):

Labcorp Genetics (formerly Invitae), Labcorp
Classification: Likely pathogenic. Last evaluated: 2021-03-02. Review status: criteria provided, single submitter. Criteria: Invitae Variant Classification Sherloc (09022015). Collection method: clinical testing. Allele origin: germline.
Comment: In summary, the currently available evidence indicates that the variant is pathogenic, but additional data are needed to prove that conclusively. Therefore, this variant has been classified as Likely Pathogenic. Donor and acceptor splice site variants typically lead to a loss of protein function (PMID: 16199547), and loss-of-function variants in NTHL1 are known to be pathogenic (PMID: 25938944, 26559593). This variant has not been reported in the literature in individuals with NTHL1-related disease. This variant is not present in population databases (ExAC no frequency). This sequence change affects an acceptor splice site in intron 4 of the NTHL1 gene. It is expected to disrupt RNA splicing and likely results in an absent or disrupted protein product.

Ambry Genetics
Classification: Uncertain significance for Hereditary cancer-predisposing syndrome. Last evaluated: 2020-10-30. Review status: criteria provided, single submitter. Criteria: Ambry Variant Classification Scheme 2023. Collection method: clinical testing. Allele origin: germline.
Comment: The c.710-2A>G intronic variant results from an A to G substitution two nucleotides upstream from coding exon 5 in the NTHL1 gene. This nucleotide position is well conserved in available vertebrate species. In silico splice site analysis predicts that this alteration will weaken the native splice acceptor site and this alteration will result in the creation or strengthening of a novel splice acceptor site. This novel acceptor site, if utilized, would result in an in-frame transcript with unknown functional impact; however, direct evidence is unavailable. Since supporting evidence is limited at this time, the clinical significance of this alteration remains unclear.

Literature cited by the submitters: PubMed 16199547 (cited by Labcorp Genetics (formerly Invitae), Labcorp); PubMed 25938944 (cited by Labcorp Genetics (formerly Invitae), Labcorp); PubMed 26559593 (cited by Labcorp Genetics (formerly Invitae), Labcorp).